The following is an entry in ClinVar:

NM_006517.5(SLC16A2):c.715A>G (p.Ser239Gly)

Gene: SLC16A2 (solute carrier family 16 member 2; plus strand). Cytogenetic location: Xq13.2.
Variant type: single nucleotide variant.
Coding change: c.715A>G on transcript NM_006517.5 (MANE Select); coding-DNA position 715, A replaced by G.
Protein change: p.Ser239Gly; replaces serine 239 with glycine.
Molecular consequence: missense variant.
Genome position (GRCh38, 1-based): chrX:74,524,498, A>G. VCF-style: chrX-74524498-A-G. GRCh37 (hg19) VCF-style: chrX-73744333-A-G.
Other names: short protein forms S239G.
Identifiers: ClinVar variation 4853883 (VCV004853883.1).

ClinVar aggregate classification (germline): Uncertain significance (1 of 4 stars; one submission).

Conditions:
Allan-Herndon-Dudley syndrome (AHDS). Also called: ALLAN-HERNDON SYNDROME; MENTAL RETARDATION AND MUSCULAR ATROPHY; T3 RESISTANCE; TRIIODOTHYRONINE RESISTANCE; Passos-Bueno syndrome. Identifiers: Orphanet 59, MedGen C0795889, MONDO:0010354, OMIM 300523.

Submission:

3billion
Classification: Uncertain significance for Allan-Herndon-Dudley syndrome. Last evaluated: 2025-06-12. Review status: criteria provided, single submitter. Criteria: ACMG Guidelines, 2015. Collection method: clinical testing. Allele origin: germline. Affected: yes.
Comment: The variant is not observed in the gnomAD v4.1.0 dataset. Predicted Consequence/Location: Missense variant Damaging effect on gene or gene product predicted by in silico programs is uncertain [REVEL: 0.36 (damaging >=0.6, benign <0.4), 3Cnet: 0.24 (damaging >0.75, benign <0.1)]. A different missense change at the same codon (p.Ser239Arg) has been reported to be associated with SLC16A2-related disorder (ClinVar ID: VCV002581791). However the evidence of pathogenicity is insufficient at this time. Therefore, this variant is classified as VUS according to the recommendation of ACMG/AMP guideline.